The following is an entry in ClinVar:

NM_001371623.1(TCOF1):c.2014G>T (p.Ala672Ser)

Gene: TCOF1 (treacle ribosome biogenesis factor 1; plus strand). Cytogenetic location: 5q32.
Variant type: single nucleotide variant.
Coding change: c.2014G>T on transcript NM_001371623.1 (MANE Select); coding-DNA position 2014, G replaced by T.
Protein change: p.Ala672Ser; replaces alanine 672 with serine.
Molecular consequence: missense variant.
Genome position (GRCh38, 1-based): chr5:150,376,202, G>T. VCF-style: chr5-150376202-G-T. GRCh37 (hg19) VCF-style: chr5-149755765-G-T.
Other names: c.1783G>T, p.Ala595Ser (NM_000356.4, NM_001135245.2); c.2014G>T, p.Ala672Ser (NM_001008657.3, NM_001135243.2, NM_001135244.2 and 1 more transcripts); c.2014G>T (NM_001135243.1); short protein forms A595S, A672S.
Identifiers: ClinVar variation 1500338 (VCV001500338.6), dbSNP rs1487072659, ClinGen allele CA361752433.

ClinVar aggregate classification (germline): Uncertain significance. Review status: criteria provided, multiple submitters, no conflicts (2 of 4 stars). 2 submissions from 2 submitters: Uncertain significance (2). Last evaluated 2025-10-07.

Conditions:
Treacher Collins syndrome 1 (TCS1). Also called: TCOF1-Related Treacher Collins Syndrome. Identifiers: Orphanet 861, MedGen CN315775, MONDO:0007944, OMIM 154500.
Inborn genetic diseases. Identifiers: MedGen C0950123, MeSH D030342.

Allele frequency attached by ClinVar (database versions not stated): gnomAD exomes below 0.00001 and 0.00003.

Submissions (2):

Ambry Genetics
Classification: Uncertain significance for Inborn genetic diseases. Last evaluated: 2025-10-07. Review status: criteria provided, single submitter. Criteria: Ambry Variant Classification Scheme 2023. Collection method: clinical testing. Allele origin: germline.

Labcorp Genetics (formerly Invitae), Labcorp
Classification: Uncertain significance for Treacher Collins syndrome 1. Last evaluated: 2021-09-08. Review status: criteria provided, single submitter. Criteria: Invitae Variant Classification Sherloc (09022015). Collection method: clinical testing. Allele origin: germline.
Comment: This sequence change replaces alanine with serine at codon 672 of the TCOF1 protein (p.Ala672Ser). The alanine residue is weakly conserved and there is a moderate physicochemical difference between alanine and serine. This variant is not present in population databases (ExAC no frequency). This variant has not been reported in the literature in individuals affected with TCOF1-related conditions. Algorithms developed to predict the effect of missense changes on protein structure and function (SIFT, PolyPhen-2, Align-GVGD) all suggest that this variant is likely to be tolerated. In summary, the available evidence is currently insufficient to determine the role of this variant in disease. Therefore, it has been classified as a Variant of Uncertain Significance.